The following is an entry in ClinVar:

ClinVar aggregate classification (germline): Uncertain significance (1 of 4 stars; one submission).

Allele frequency attached by ClinVar (database versions not stated): gnomAD exomes below 0.00001.
gnomAD v4.1: 1 of 1,613,790 alleles (0.000062%); highest among the groups gnomAD compares: East Asian, 0.0022%; no homozygotes.

Submission:

GeneDx
Classification: Uncertain significance. Last evaluated: 2023-01-26. Review status: criteria provided, single submitter. Criteria: GeneDx Variant Classification Process June 2021. Collection method: clinical testing. Allele origin: germline. Affected: yes.
Comment: Not observed at significant frequency in large population cohorts (gnomAD); In silico analysis supports that this missense variant has a deleterious effect on protein structure/function; Has not been previously published as pathogenic or benign to our knowledge

NM_002109.6(HARS1):c.521G>T (p.Cys174Phe)

Gene: HARS1 (histidyl-tRNA synthetase 1; minus strand). Cytogenetic location: 5q31.3.
Variant type: single nucleotide variant.
Coding change: c.521G>T on transcript NM_002109.6 (MANE Select); coding-DNA position 521, G replaced by T.
Protein change: p.Cys174Phe; replaces cysteine 174 with phenylalanine.
Molecular consequence: missense variant. On other transcripts: intron variant (4).
Genome position (GRCh38, 1-based): chr5:140,679,003, C>A on the plus strand (G>T on the coding strand, the complement: HARS1 is on the minus strand). VCF-style: chr5-140679003-C-A. GRCh37 (hg19) VCF-style: chr5-140058588-C-A.
Other names: c.401G>T, p.Cys134Phe (NM_001258040.3); c.434G>T, p.Cys145Phe (NM_001289094.2); c.181-988G>T (NM_001289093.2); c.342+59G>T (NM_001258042.3); c.301-988G>T (NM_001289092.2); c.462+59G>T (NM_001258041.3); short protein forms C134F, C145F, C174F.
Identifiers: ClinVar variation 2574389 (VCV002574389.1), dbSNP rs2481265611, ClinGen allele CA361256758.